The following is an entry in ClinVar:

NM_016341.4(PLCE1):c.2728G>A (p.Val910Ile)

Gene: PLCE1 (phospholipase C epsilon 1; plus strand). Cytogenetic location: 10q23.33.
Variant type: single nucleotide variant.
Coding change: c.2728G>A on transcript NM_016341.4 (MANE Select); coding-DNA position 2728, G replaced by A.
Protein change: p.Val910Ile; replaces valine 910 with isoleucine.
Molecular consequence: missense variant.
Genome position (GRCh38, 1-based): chr10:94,246,253, G>A. VCF-style: chr10-94246253-G-A. GRCh37 (hg19) VCF-style: chr10-96006010-G-A.
Other names: c.1804G>A, p.Val602Ile (NM_001165979.2); c.2728G>A, p.Val910Ile (NM_001288989.2); short protein forms V910I, V602I.
Identifiers: ClinVar variation 301708 (VCV000301708.18), dbSNP rs61751497, ClinGen allele CA5612706.
Genomic context (GRCh38, chr10:94,246,253, plus strand): 5'-ACCTTGACCTGGGTAAAGCCCACAACTGCCTCCCCAGCCAGCAGTAAAGCAAAACTTGGT[G>A]TACTTAATAACACAGCTGAGCCTGGAAAATTCCCACTACTGGGTAATGCTGGATTAAGTA-3'
Protein context (NP_057425.3, residues 900-920): SPASSKAKLG[Val910Ile]LNNTAEPGKF

ClinVar aggregate classification (germline): Conflicting classifications of pathogenicity. Review status: criteria provided, conflicting classifications (1 of 4 stars). 4 submissions from 4 submitters: Uncertain significance (1); Likely benign (3). Last evaluated 2026-01-11.

Conditions:
Nephrotic syndrome, type 3 (NPHS3). Also called: NEPHROTIC SYNDROME, EARLY-ONSET, TYPE 3. Identifiers: Orphanet 656, MedGen C1853124, MONDO:0012546, OMIM 610725.

Allele frequency attached by ClinVar (database versions not stated): gnomAD exomes 0.00041 and 0.00083; ExAC 0.00083; TOPMed 0.00266; gnomAD 0.00273 and 0.00284; ESP Exome Variant Server 0.00285; 1000 Genomes Project 0.00339; 1000 Genomes Project 30x 0.00344.
gnomAD v4.1: 1,036 of 1,614,202 alleles (0.064%); highest among the groups gnomAD compares: African/African-American, 0.7%; 5 homozygotes.

Submissions (4):

Labcorp Genetics (formerly Invitae), Labcorp
Classification: Likely benign. Last evaluated: 2026-01-11. Review status: criteria provided, single submitter. Criteria: Invitae Variant Classification Sherloc (09022015). Collection method: clinical testing. Allele origin: germline.

GeneDx
Classification: Uncertain significance. Last evaluated: 2022-05-11. Review status: criteria provided, single submitter. Criteria: GeneDx Variant Classification Process June 2021. Collection method: clinical testing. Allele origin: germline. Affected: yes.
Comment: In silico analysis supports that this missense variant does not alter protein structure/function; Has not been previously published as pathogenic or benign to our knowledge

Eurofins Ntd Llc (ga)
Classification: Likely benign. Last evaluated: 2018-07-05. Review status: criteria provided, single submitter. Criteria: EGL ClinVar v180209 classification definitions. Collection method: clinical testing. Allele origin: germline. Observed: 1 variant allele, 1 heterozygote.

Illumina Laboratory Services, Illumina
Classification: Likely benign for Nephrotic syndrome, type 3. Last evaluated: 2018-01-13. Review status: criteria provided, single submitter. Criteria: ICSL Variant Classification Criteria 13 December 2019. Collection method: clinical testing. Allele origin: germline.
Comment: This variant was observed in the ICSL laboratory as part of a predisposition screen in an ostensibly healthy population. It had not been previously curated by ICSL or reported in the Human Gene Mutation Database (HGMD: prior to June 1st, 2018), and was therefore a candidate for classification through an automated scoring system. Utilizing variant allele frequency, disease prevalence and penetrance estimates, and inheritance mode, an automated score was calculated to assess if this variant is too frequent to cause the disease. Based on the score and internal cut-off values, a variant classified as likely benign is not then subjected to further curation. The score for this variant resulted in a classification of likely benign for this disease.